The following is an entry in ClinVar:

ClinVar aggregate classification (germline): Uncertain significance (1 of 4 stars; one submission).

Allele frequency attached by ClinVar (database versions not stated): ExAC 0.00001; gnomAD exomes 0.00001.
gnomAD v4.1: 12 of 1,612,536 alleles (0.00074%); highest among the groups gnomAD compares: Non-Finnish European, 0.00093%; no homozygotes.

Submission:

ARUP Laboratories, Molecular Genetics and Genomics, ARUP Laboratories
Classification: Uncertain significance. Last evaluated: 2022-11-29. Review status: criteria provided, single submitter. Criteria: ARUP Molecular Germline Variant Investigation Process 2021. Collection method: clinical testing. Allele origin: germline.
Comment: The VWF c.5009G>C; p.Cys1670Ser variant (rs749273878), to our knowledge, is not reported in the medical literature or gene specific databases. This variant is found in the general population with an overall allele frequency of 0.0008% (2/248,578 alleles) in the Genome Aggregation Database. The cysteine at codon 1670 is highly conserved, but computational analyses are uncertain whether this variant is neutral or deleterious (REVEL: 0.469). However, given the lack of clinical and functional data, the significance of the p.Cys1670Ser variant is uncertain at this time.

NM_000552.5(VWF):c.5009G>C (p.Cys1670Ser)

Gene: VWF (von Willebrand factor; minus strand). Cytogenetic location: 12p13.31.
Variant type: single nucleotide variant.
Coding change: c.5009G>C on transcript NM_000552.5 (MANE Select); coding-DNA position 5009, G replaced by C.
Protein change: p.Cys1670Ser; replaces cysteine 1670 with serine.
Molecular consequence: missense variant.
Genome position (GRCh38, 1-based): chr12:6,018,409, C>G on the plus strand (G>C on the coding strand, the complement: VWF is on the minus strand). VCF-style: chr12-6018409-C-G. GRCh37 (hg19) VCF-style: chr12-6127575-C-G.
Other names: short protein forms C1670S.
Identifiers: ClinVar variation 2428639 (VCV002428639.3), dbSNP rs749273878, ClinGen allele CA6402425.